The following is an entry in ClinVar:

NM_004360.5(CDH1):c.83G>T (p.Cys28Phe)

Gene: CDH1 (cadherin 1; plus strand). Cytogenetic location: 16q22.1.
Variant type: single nucleotide variant.
Coding change: c.83G>T on transcript NM_004360.5 (MANE Select); coding-DNA position 83, G replaced by T.
Protein change: p.Cys28Phe; replaces cysteine 28 with phenylalanine.
Molecular consequence: missense variant. On other transcripts: 5 prime UTR variant (2).
Genome position (GRCh38, 1-based): chr16:68,738,331, G>T. VCF-style: chr16-68738331-G-T. GRCh37 (hg19) VCF-style: chr16-68772234-G-T.
Other names: c.83G>T, p.Cys28Phe (NM_001317184.2); c.-1533G>T (NM_001317185.2); c.-1737G>T (NM_001317186.2); short protein forms C28F.
Identifiers: ClinVar variation 5033877 (VCV005033877.1).

ClinVar aggregate classification (germline): Uncertain significance (1 of 4 stars; one submission).

Conditions:
Hereditary cancer-predisposing syndrome. Also called: Neoplastic Syndromes, Hereditary; Tumor predisposition; Hereditary neoplastic syndrome; Hereditary Cancer Syndrome. Identifiers: Orphanet 140162, MedGen C0027672, MeSH D009386, MONDO:0015356.

Submission:

Ambry Genetics
Classification: Uncertain significance for Hereditary cancer-predisposing syndrome. Last evaluated: 2026-07-02. Review status: criteria provided, single submitter. Criteria: Ambry Variant Classification Scheme 2023. Collection method: clinical testing. Allele origin: germline.
Comment: The p.C28F variant (also known as c.83G>T), located in coding exon 2 of the CDH1 gene, results from a G to T substitution at nucleotide position 83. The cysteine at codon 28 is replaced by phenylalanine, an amino acid with highly dissimilar properties. This amino acid position is conserved. In addition, this alteration is predicted to be deleterious by in silico analysis. Based on the available evidence, the clinical significance of this variant remains unclear.